The following is an entry in ClinVar:

NM_014516.4(CNOT3):c.91A>T (p.Lys31Ter)

Gene: CNOT3 (CCR4-NOT transcription complex subunit 3; plus strand). Cytogenetic location: 19q13.42.
Variant type: single nucleotide variant.
Coding change: c.91A>T on transcript NM_014516.4 (MANE Select); coding-DNA position 91, A replaced by T.
Protein change: p.Lys31Ter; replaces lysine 31 with a stop codon.
Molecular consequence: nonsense.
Genome position (GRCh38, 1-based): chr19:54,143,184, A>T. VCF-style: chr19-54143184-A-T. GRCh37 (hg19) VCF-style: chr19-54646920-A-T.
Other names: short protein forms K31*.
Identifiers: ClinVar variation 3387821 (VCV003387821.1).

ClinVar aggregate classification (germline): Pathogenic (1 of 4 stars; one submission).

Conditions:
Intellectual developmental disorder with speech delay, autism, and dysmorphic facies. Identifiers: MedGen C5231456, MONDO:0032864, OMIM 618672.

Submission:

Cytogenetique et Genetique Moleculaire, CHU Besancon
Classification: Pathogenic for Intellectual developmental disorder with speech delay, autism, and dysmorphic facies. Last evaluated: 2023-08-13. Review status: criteria provided, single submitter. Criteria: ACMG Guidelines, 2015. Collection method: clinical testing. Allele origin: germline. Affected: yes.
Comment: The NM_014516.4:c.91A>T variant is an nonsense variant in CNOT3 which is predicted to result in a premature stop codon at position 31, and likely results in an absent or disrupted protein product (PVS1). The variant has been identified as a de novo occurrence, without confirmation of paternity and maternity, in two individuals with a phenotype consistent with the gene but not highly specific (PM6). This variant is not present in gnomAD (PM2; v4.1.0). In summary, this variant meets criteria to be classified as pathogenic for CNOT3-related neurodevelopmental disorders based on the ACMG/AMP criteria applied (PVS1 PM2 PM6).